The following is an entry in ClinVar:

ClinVar aggregate classification (germline): Uncertain significance. Review status: criteria provided, multiple submitters, no conflicts (2 of 4 stars). 3 submissions from 3 submitters: Uncertain significance (3). Last evaluated 2024-04-05.

Conditions:
Astrocytoma IDH-mutant. Identifiers: MedGen C5669733.
Hereditary cancer-predisposing syndrome. Also called: Hereditary Cancer Syndrome; Hereditary neoplastic syndrome; Neoplastic Syndromes, Hereditary; Tumor predisposition. Identifiers: Orphanet 140162, MedGen C0027672, MeSH D009386, MONDO:0015356.

Allele frequency attached by ClinVar (database versions not stated): gnomAD exomes below 0.00001; gnomAD 0.00001.

Submissions (3):

Ambry Genetics
Classification: Uncertain significance for Hereditary cancer-predisposing syndrome. Last evaluated: 2024-04-05. Review status: criteria provided, single submitter. Criteria: Ambry Variant Classification Scheme 2023. Collection method: clinical testing. Allele origin: germline.
Comment: The p.D232E variant (also known as c.696C>G), located in coding exon 7 of the EPCAM gene, results from a C to G substitution at nucleotide position 696. The aspartic acid at codon 232 is replaced by glutamic acid, an amino acid with highly similar properties. This amino acid position is conserved. In addition, this alteration is predicted to be tolerated by in silico analysis. Since supporting evidence is limited at this time, the clinical significance of this alteration remains unclear.

Blueprint Genetics
Classification: Uncertain significance. Last evaluated: 2022-07-06. Review status: criteria provided, single submitter. Criteria: ACMG Guidelines, 2015. Collection method: clinical testing. Allele origin: germline.

Laboratory of Medical Genetics Unit, Bambino Gesù Children's Hospital
Classification: Uncertain significance for Astrocytoma IDH-mutant. Last evaluated: 2022-05-02. Review status: criteria provided, single submitter. Criteria: ACMG Guidelines, 2015. Collection method: research. Allele origin: paternal. Affected: yes. Observed: 1 heterozygote.

NM_002354.3(EPCAM):c.696C>G (p.Asp232Glu)

Gene: EPCAM (epithelial cell adhesion molecule; plus strand). Cytogenetic location: 2p21.
Variant type: single nucleotide variant.
Coding change: c.696C>G on transcript NM_002354.3 (MANE Select); coding-DNA position 696, C replaced by G.
Protein change: p.Asp232Glu; replaces aspartic acid 232 with glutamic acid.
Molecular consequence: missense variant.
Genome position (GRCh38, 1-based): chr2:47,379,807, C>G. VCF-style: chr2-47379807-C-G. GRCh37 (hg19) VCF-style: chr2-47606946-C-G.
Other names: short protein forms D232E.
Identifiers: ClinVar variation 1756361 (VCV001756361.5), dbSNP rs1416156972, ClinGen allele CA346724406.